The following is an entry in ClinVar:

ClinVar aggregate classification (germline): Uncertain significance (1 of 4 stars; one submission).

Submission:

Labcorp Genetics (formerly Invitae), Labcorp
Classification: Uncertain significance. Last evaluated: 2024-05-15. Review status: criteria provided, single submitter. Criteria: Invitae Variant Classification Sherloc (09022015). Collection method: clinical testing. Allele origin: germline.
Comment: This sequence change replaces threonine, which is neutral and polar, with serine, which is neutral and polar, at codon 600 of the ICK protein (p.Thr600Ser). This variant is present in population databases (no rsID available, gnomAD 0.003%). This variant has not been reported in the literature in individuals affected with ICK-related conditions. An algorithm developed to predict the effect of missense changes on protein structure and function (PolyPhen-2) suggests that this variant is likely to be tolerated. In summary, the available evidence is currently insufficient to determine the role of this variant in disease. Therefore, it has been classified as a Variant of Uncertain Significance.

NM_014920.5(CILK1):c.1799C>G (p.Thr600Ser)

Gene: CILK1 (ciliogenesis associated kinase 1; minus strand). Cytogenetic location: 6p12.1.
Variant type: single nucleotide variant.
Coding change: c.1799C>G on transcript NM_014920.5 (MANE Select); coding-DNA position 1799, C replaced by G.
Protein change: p.Thr600Ser; replaces threonine 600 with serine.
Molecular consequence: missense variant. On other transcripts: non-coding transcript variant (1).
Genome position (GRCh38, 1-based): chr6:53,005,249, G>C on the plus strand (C>G on the coding strand, the complement: CILK1 is on the minus strand). VCF-style: chr6-53005249-G-C. GRCh37 (hg19) VCF-style: chr6-52870047-G-C.
Other names: c.1820C>G, p.Thr607Ser (NM_001375397.1); c.1799C>G, p.Thr600Ser (NM_001375398.1, NM_001375399.1, NM_001375400.1 and 3 more transcripts); short protein forms T600S, T607S.
Identifiers: ClinVar variation 2722844 (VCV002722844.3), dbSNP rs1185513233, ClinGen allele CA364465527.